The following is an entry in ClinVar:

ClinVar aggregate classification (germline): Uncertain significance (1 of 4 stars; one submission).

Submission:

Women's Health and Genetics/Laboratory Corporation of America, LabCorp
Classification: Uncertain significance. Last evaluated: 2024-04-15. Review status: criteria provided, single submitter. Criteria: LabCorp Variant Classification Summary - May 2015. Collection method: clinical testing. Allele origin: germline.
Comment: Variant summary: SLC19A3 c.959A>C (p.Glu320Ala) results in a non-conservative amino acid change in the encoded protein sequence. Five of five in-silico tools predict a damaging effect of the variant on protein function. The variant was absent in 251148 control chromosomes (gnomAD). To our knowledge, no occurrence of c.959A>C in individuals affected with biotin-thiamine-responsive basal ganglia disease has been reported. At least one publication reports experimental evidence evaluating an impact on protein function and found the variant showed a decreased rate of thiamine uptake in comparison to the WT protein (Subramanian_2006). The following publication has been ascertained in the context of this evaluation (PMID: 16790503). No submitters have cited clinical-significance assessments for this variant to ClinVar. Based on the evidence outlined above, the variant was classified as VUS-possibly pathogenic.

Literature cited by the submitters: PubMed 16790503.

NM_025243.4(SLC19A3):c.959A>C (p.Glu320Ala)

Gene: SLC19A3 (solute carrier family 19 member 3; minus strand). Cytogenetic location: 2q36.3.
Variant type: single nucleotide variant.
Coding change: c.959A>C on transcript NM_025243.4 (MANE Select); coding-DNA position 959, A replaced by C.
Protein change: p.Glu320Ala; replaces glutamic acid 320 with alanine.
Molecular consequence: missense variant.
Genome position (GRCh38, 1-based): chr2:227,698,756, T>G on the plus strand (A>C on the coding strand, the complement: SLC19A3 is on the minus strand). VCF-style: chr2-227698756-T-G. GRCh37 (hg19) VCF-style: chr2-228563472-T-G.
Other names: c.959A>C, p.Glu320Ala (NM_001371411.1, NM_001371412.1); c.947A>C, p.Glu316Ala (NM_001371413.1, NM_001371414.1); short protein forms E316A, E320A.
Identifiers: ClinVar variation 3251298 (VCV003251298.1), dbSNP rs2470572513.